The following is an entry in ClinVar:

ClinVar aggregate classification (germline): Likely pathogenic. Review status: criteria provided, multiple submitters, no conflicts (2 of 4 stars). 3 submissions from 3 submitters: Likely pathogenic (3). Last evaluated 2025-07-25.

Conditions:
Meckel-Gruber syndrome. Also called: DYSENCEPHALIA SPLANCHNOCYSTICA; GRUBER SYNDROME; Dysencephalia splachnocystica. Identifiers: Orphanet 564, MedGen C0265215, MONDO:0018921.
Joubert syndrome. Also called: CEREBELLOPARENCHYMAL DISORDER IV; JOUBERT-BOLTSHAUSER SYNDROME; Familial aplasia of the vermis. Identifiers: Orphanet 475, MedGen C5979921, MONDO:0018772.
Joubert syndrome and related disorders. Identifiers: Orphanet 140874, MedGen C5679612, MONDO:0015369.

Allele frequency attached by ClinVar (database versions not stated): ExAC 0.00004; gnomAD exomes 0.00003.
gnomAD v4.1: 16 of 1,613,718 alleles (0.00099%); highest among the groups gnomAD compares: South Asian, 0.018%; no homozygotes.

Submissions (3):

Natera, Inc.
Classification: Likely pathogenic for Joubert syndrome. Last evaluated: 2025-07-25. Review status: criteria provided, single submitter. Criteria: Natera Variant Classification Schema (03/2026). Collection method: clinical testing. Allele origin: germline.
Comment: The c.2874+1G>C variant in RPGRIP1L is a canonical splice donor site variant predicted to affect pre-mRNA splicing, which may result in an abnormal transcript and altered protein product. This variant is expected to result in nonsense mediated decay, truncation, or a dysfunctional protein product. This variant is rare in the general population with a frequency below the threshold expected for the associated phenotype(s). Given the available evidence, this variant is classified as Likely Pathogenic.

Labcorp Genetics (formerly Invitae), Labcorp
Classification: Likely pathogenic for Joubert syndrome; Meckel-Gruber syndrome. Last evaluated: 2025-03-13. Review status: criteria provided, single submitter. Criteria: Invitae Variant Classification Sherloc (09022015). Collection method: clinical testing. Allele origin: germline.
Comment: This sequence change affects a donor splice site in intron 18 of the RPGRIP1L gene. It is expected to disrupt RNA splicing. Variants that disrupt the donor or acceptor splice site typically lead to a loss of protein function (PMID: 16199547), and loss-of-function variants in RPGRIP1L are known to be pathogenic (PMID: 17558409). This variant is present in population databases (rs753075262, gnomAD 0.02%). This variant has not been reported in the literature in individuals affected with RPGRIP1L-related conditions. ClinVar contains an entry for this variant (Variation ID: 1484542). Algorithms developed to predict the effect of sequence changes on RNA splicing suggest that this variant may disrupt the consensus splice site. In summary, the currently available evidence indicates that the variant is pathogenic, but additional data are needed to prove that conclusively. Therefore, this variant has been classified as Likely Pathogenic.

Women's Health and Genetics/Laboratory Corporation of America, LabCorp
Classification: Likely pathogenic for Joubert syndrome and related disorders. Last evaluated: 2023-03-22. Review status: criteria provided, single submitter. Criteria: LabCorp Variant Classification Summary - May 2015. Collection method: clinical testing. Allele origin: germline.
Comment: Variant summary: RPGRIP1L c.2874+1G>C is located in a canonical splice-site and is predicted to affect mRNA splicing resulting in a significantly altered protein due to either exon skipping, shortening, or inclusion of intronic material. The variant allele was found at a frequency of 2.8e-05 in 250878 control chromosomes (gnomAD). To our knowledge, no occurrence of c.2874+1G>C in individuals affected with Joubert Syndrome and Related Disorders and no experimental evidence demonstrating its impact on protein function have been reported. One clinical diagnostic laboratory has submitted clinical-significance assessments for this variant to ClinVar after 2014, and classified the variant as likely pathogenic. Based on the evidence outlined above, the variant was classified as likely pathogenic.

Literature cited by the submitters: PubMed 16199547 (cited by Labcorp Genetics (formerly Invitae), Labcorp); PubMed 17558409 (cited by Labcorp Genetics (formerly Invitae), Labcorp); PubMed 31964843 (cited by Women's Health and Genetics/Laboratory Corporation of America, LabCorp).

NM_015272.5(RPGRIP1L):c.2874+1G>C

Gene: RPGRIP1L (RPGRIP1 like; minus strand). Cytogenetic location: 16q12.2.
Variant type: single nucleotide variant.
Coding change: c.2874+1G>C on transcript NM_015272.5 (MANE Select); the canonical splice donor site of the intron after coding-DNA position 2874, G replaced by C.
Molecular consequence: splice donor variant.
Genome position (GRCh38, 1-based): chr16:53,641,284, C>G on the plus strand (G>C on the coding strand, the complement: RPGRIP1L is on the minus strand). VCF-style: chr16-53641284-C-G. GRCh37 (hg19) VCF-style: chr16-53675196-C-G.
Other names: c.2874+1G>C (NM_001127897.4, NM_001330538.2, NM_001308334.3).
Identifiers: ClinVar variation 1484542 (VCV001484542.8), dbSNP rs753075262, ClinGen allele CA8057445.